The following is an entry in ClinVar:

ClinVar aggregate classification (germline): Uncertain significance (1 of 4 stars; one submission).

Submission:

Labcorp Genetics (formerly Invitae), Labcorp
Classification: Uncertain significance. Last evaluated: 2025-09-05. Review status: criteria provided, single submitter. Criteria: Invitae Variant Classification Sherloc (09022015). Collection method: clinical testing. Allele origin: germline.
Comment: This sequence change replaces isoleucine, which is neutral and non-polar, with valine, which is neutral and non-polar, at codon 311 of the RAD51 protein (p.Ile311Val). This variant is not present in population databases (gnomAD no frequency). This variant has not been reported in the literature in individuals affected with RAD51-related conditions. Invitae Evidence Modeling of protein sequence and biophysical properties (such as structural, functional, and spatial information, amino acid conservation, physicochemical variation, residue mobility, and thermodynamic stability) indicates that this missense variant is not expected to disrupt RAD51 protein function with a negative predictive value of 80%. In summary, the available evidence is currently insufficient to determine the role of this variant in disease. Therefore, it has been classified as a Variant of Uncertain Significance.

NM_002875.5(RAD51):c.931A>G (p.Ile311Val)

Gene: RAD51 (RAD51 recombinase; plus strand). Cytogenetic location: 15q15.1.
Variant type: single nucleotide variant.
Coding change: c.931A>G on transcript NM_002875.5 (MANE Select); coding-DNA position 931, A replaced by G.
Protein change: p.Ile311Val; replaces isoleucine 311 with valine.
Molecular consequence: missense variant.
Genome position (GRCh38, 1-based): chr15:40,731,089, A>G. VCF-style: chr15-40731089-A-G. GRCh37 (hg19) VCF-style: chr15-41023287-A-G.
Other names: c.934A>G, p.Ile312Val (NM_001164269.2, NM_133487.4); c.809A>G, p.Asn270Ser (NM_001164270.2); short protein forms N270S, I311V, I312V.
Identifiers: ClinVar variation 4739748 (VCV004739748.1).